The following is an entry in ClinVar:

NM_001365999.1(SZT2):c.6282_6284del (p.Tyr2095del)

Gene: SZT2 (SZT2 subunit of KICSTOR complex; plus strand). Cytogenetic location: 1p34.2.
Variant type: Deletion.
Coding change: c.6282_6284del on transcript NM_001365999.1 (MANE Select); coding-DNA positions 6282 to 6284, 3 bases deleted (CTA; older notation c.6282_6284delCTA).
Protein change: p.Tyr2095del; deletes tyrosine 2095.
Molecular consequence: inframe deletion.
Genome position (GRCh38, 1-based): chr1:43,437,500-43,437,502, CTA deleted; deleting any 3 consecutive bases within chr1:43,437,498-43,437,502 gives the same sequence; the c. name uses the placement nearest the transcript's 3' end. VCF-style (leftmost placement, unchanged base first): chr1-43437497-GTAC-G. GRCh37 (hg19) VCF-style: chr1-43903168-GTAC-G.
Other names: c.6111_6113del, p.Tyr2038del (NM_015284.4); c.6111_6113del (NM_015284.3); short protein forms Y2038del, Y2095del.
Identifiers: ClinVar variation 1054410 (VCV001054410.8), dbSNP rs780283792, ClinGen allele CA809828.

ClinVar aggregate classification (germline): Uncertain significance. Review status: criteria provided, multiple submitters, no conflicts (2 of 4 stars). 3 submissions from 3 submitters: Uncertain significance (3). Last evaluated 2025-03-07.

Conditions:
Developmental and epileptic encephalopathy, 18 (DEE18). Also called: Early infantile epileptic encephalopathy 18. Identifiers: Orphanet 369894, MedGen C3809624, MONDO:0014201, OMIM 615476.

Submissions (3):

GeneDx
Classification: Uncertain significance. Last evaluated: 2025-03-07. Review status: criteria provided, single submitter. Criteria: GeneDx Variant Classification Process June 2021. Collection method: clinical testing. Allele origin: germline. Affected: yes.
Comment: Not observed at significant frequency in large population cohorts (gnomAD); In-frame deletion of 1 amino acid(s) in a non-repeat region; In silico analysis supports a deleterious effect on protein structure/function; Has not been previously published as pathogenic or benign to our knowledge

ARUP Laboratories, Molecular Genetics and Genomics, ARUP Laboratories
Classification: Uncertain significance for Developmental and epileptic encephalopathy, 18. Last evaluated: 2024-11-14. Review status: criteria provided, single submitter. Criteria: ARUP Molecular Germline Variant Investigation Process 2024. Collection method: clinical testing. Allele origin: germline.

Labcorp Genetics (formerly Invitae), Labcorp
Classification: Uncertain significance. Last evaluated: 2021-06-07. Review status: criteria provided, single submitter. Criteria: Invitae Variant Classification Sherloc (09022015). Collection method: clinical testing. Allele origin: germline.
Comment: This variant, c.6111_6113delCTA, results in the deletion of 1 amino acid of the SZT2 protein (p.Tyr2038del), but otherwise preserves the integrity of the reading frame. This variant is present in population databases (rs780283792, ExAC 0.04%). This variant has not been reported in the literature in individuals with an SZT2-related disease. In summary, this variant has uncertain impact on SZT2 function. The available evidence is currently insufficient to determine its role in disease. Therefore, it has been classified as a Variant of Uncertain Significance.